The following is an entry in ClinVar:

NM_004281.4(BAG3):c.1685C>T (p.Pro562Leu)

Gene: BAG3 (BAG cochaperone 3; plus strand). Cytogenetic location: 10q26.11.
Variant type: single nucleotide variant.
Coding change: c.1685C>T on transcript NM_004281.4 (MANE Select); coding-DNA position 1685, C replaced by T.
Protein change: p.Pro562Leu; replaces proline 562 with leucine.
Molecular consequence: missense variant.
Genome position (GRCh38, 1-based): chr10:119,677,239, C>T. VCF-style: chr10-119677239-C-T. GRCh37 (hg19) VCF-style: chr10-121436751-C-T.
Other names: c.1685C>T (NM_004281.3); short protein forms P562L.
Identifiers: ClinVar variation 1037992 (VCV001037992.9), dbSNP rs1188545828, ClinGen allele CA378297852.

ClinVar aggregate classification (germline): Uncertain significance. Review status: criteria provided, multiple submitters, no conflicts (2 of 4 stars). 2 submissions from 2 submitters: Uncertain significance (2). Last evaluated 2025-07-20.

Conditions:
BAG3-related disorder. Also called: BAG3-related condition.
Dilated cardiomyopathy 1HH (CMD1HH). Identifiers: Orphanet 154, MedGen C3151293, MONDO:0013479, OMIM 613881.
Myofibrillar myopathy 6. Identifiers: Orphanet 199340, MedGen C2751831, MONDO:0013061, OMIM 612954.

Allele frequency attached by ClinVar (database versions not stated): gnomAD exomes 0.00001.

Submissions (2):

Labcorp Genetics (formerly Invitae), Labcorp
Classification: Uncertain significance for Dilated cardiomyopathy 1HH; Myofibrillar myopathy 6. Last evaluated: 2025-07-20. Review status: criteria provided, single submitter. Criteria: Invitae Variant Classification Sherloc (09022015). Collection method: clinical testing. Allele origin: germline.
Comment: This sequence change replaces proline, which is neutral and non-polar, with leucine, which is neutral and non-polar, at codon 562 of the BAG3 protein (p.Pro562Leu). This variant is present in population databases (no rsID available, gnomAD 0.01%). This variant has not been reported in the literature in individuals affected with BAG3-related conditions. ClinVar contains an entry for this variant (Variation ID: 1037992). Invitae Evidence Modeling of protein sequence and biophysical properties (such as structural, functional, and spatial information, amino acid conservation, physicochemical variation, residue mobility, and thermodynamic stability) indicates that this missense variant is not expected to disrupt BAG3 protein function with a negative predictive value of 80%. In summary, the available evidence is currently insufficient to determine the role of this variant in disease. Therefore, it has been classified as a Variant of Uncertain Significance.

PreventionGenetics, part of Exact Sciences
Classification: Uncertain significance for BAG3-related condition. Last evaluated: 2024-12-09. Review status: criteria provided, single submitter. Criteria: ACMG Guidelines, 2015. Collection method: clinical testing. Allele origin: germline.
Comment: The BAG3 c.1685C>T variant is predicted to result in the amino acid substitution p.Pro562Leu. To our knowledge, this variant has not been reported in association with disorders in the literature. This variant is reported in 0.0098% of alleles in individuals of South Asian descent in gnomAD. At this time, the clinical significance of this variant is uncertain due to the absence of conclusive functional and genetic evidence.